The following is an entry in ClinVar:

ClinVar aggregate classification (germline): Conflicting classifications of pathogenicity. Review status: criteria provided, conflicting classifications (1 of 4 stars). 6 submissions from 3 submitters: Uncertain significance (5); Likely benign (1). Last evaluated 2025-09-10.

Conditions:
Seizures, benign familial infantile, 5 (BFIS5). Also called: CONVULSIONS, BENIGN FAMILIAL INFANTILE, 5. Identifiers: Orphanet 306, MedGen C4310728, MONDO:0014903, OMIM 617080.
Myoclonus, familial, 2. Identifiers: MedGen C5193056, MONDO:0100092, OMIM 618364.
Early-infantile DEE. Also called: Early infantile epileptic encephalopathy; Ohtahara syndrome; Early infantile epileptic encephalopathy with suppression bursts. Identifiers: Orphanet 1934, MedGen C0393706, MONDO:0800491.
Cognitive impairment with or without cerebellar ataxia (CIAT). Identifiers: MedGen C3280415, MONDO:0013680, OMIM 614306.
Developmental and epileptic encephalopathy, 13 (DEE13). Also called: Developmental and Epileptic Encephalopathy (SCN8A-DEE); Early infantile epileptic encephalopathy 13; SCN8A-Related Epilepsy. Identifiers: Orphanet 442835, MedGen C3281191, MONDO:0013801, OMIM 614558.

Allele frequency attached by ClinVar (database versions not stated): TOPMed 0.00001; gnomAD exomes 0.00001; ExAC 0.00001.
gnomAD v4.1: 6 of 1,612,522 alleles (0.00037%); highest among the groups gnomAD compares: Middle Eastern, 0.017%; no homozygotes.

Submissions (6):

Labcorp Genetics (formerly Invitae), Labcorp
Classification: Likely benign for Early-infantile DEE. Last evaluated: 2025-09-10. Review status: criteria provided, single submitter. Criteria: Invitae Variant Classification Sherloc (09022015). Collection method: clinical testing. Allele origin: germline.

Baylor Genetics
Classification: Uncertain significance for Seizures, benign familial infantile, 5. Last evaluated: 2023-06-14. Review status: criteria provided, single submitter. Criteria: ACMG Guidelines, 2015. Collection method: clinical testing. Allele origin: unknown.

Baylor Genetics
Classification: Uncertain significance for Cognitive impairment with or without cerebellar ataxia. Last evaluated: 2023-06-14. Review status: criteria provided, single submitter. Criteria: ACMG Guidelines, 2015. Collection method: clinical testing. Allele origin: unknown.

Baylor Genetics
Classification: Uncertain significance for Myoclonus, familial, 2. Last evaluated: 2023-06-14. Review status: criteria provided, single submitter. Criteria: ACMG Guidelines, 2015. Collection method: clinical testing. Allele origin: unknown.

Baylor Genetics
Classification: Uncertain significance for Developmental and epileptic encephalopathy, 13. Last evaluated: 2023-06-14. Review status: criteria provided, single submitter. Criteria: ACMG Guidelines, 2015. Collection method: clinical testing. Allele origin: unknown.

GeneDx
Classification: Uncertain significance. Last evaluated: 2023-03-20. Review status: criteria provided, single submitter. Criteria: GeneDx Variant Classification Process June 2021. Collection method: clinical testing. Allele origin: germline. Affected: yes.
Comment: Not observed at significant frequency in large population cohorts (gnomAD); Missense variants in this gene are often considered pathogenic (HGMD); In silico analysis supports that this missense variant does not alter protein structure/function; Has not been previously published as pathogenic or benign to our knowledge; This substitution is predicted to be in the cytoplasmic loop between the first and second homologous domains

NM_001330260.2(SCN8A):c.1676A>G (p.His559Arg)

Gene: SCN8A (sodium voltage-gated channel alpha subunit 8; plus strand). Cytogenetic location: 12q13.13.
Variant type: single nucleotide variant.
Coding change: c.1676A>G on transcript NM_001330260.2 (MANE Select); coding-DNA position 1676, A replaced by G.
Protein change: p.His559Arg; replaces histidine 559 with arginine.
Molecular consequence: missense variant.
Genome position (GRCh38, 1-based): chr12:51,721,586, A>G. VCF-style: chr12-51721586-A-G. GRCh37 (hg19) VCF-style: chr12-52115370-A-G.
Other names: c.1676A>G, p.His559Arg (NM_001177984.3, NM_001369788.1, NM_014191.4); short protein forms H559R.
Identifiers: ClinVar variation 2580849 (VCV002580849.5), dbSNP rs776446104, ClinGen allele CA6571307.
Genomic context (GRCh38, chr12:51,721,586, plus strand): 5'-TTCCCTGTCTGCCCCTGCAGTCACTGCTCAGCATCCCAGGCTCGCCCTTCCTCTCCCGCC[A>G]CAACAGCAAGAGCAGCATCTTCAGTTTCAGGGGACCTGGGCGGTTCCGAGACCCGGGCTC-3'
Protein context (NP_001317189.1, residues 549-569): SIPGSPFLSR[His559Arg]NSKSSIFSFR